The following is an entry in ClinVar:

ClinVar aggregate classification (germline): Uncertain significance (1 of 4 stars; one submission).

Allele frequency attached by ClinVar (database versions not stated): gnomAD exomes below 0.00001; ExAC 0.00001.

Submission:

Labcorp Genetics (formerly Invitae), Labcorp
Classification: Uncertain significance. Last evaluated: 2022-09-07. Review status: criteria provided, single submitter. Criteria: Invitae Variant Classification Sherloc (09022015). Collection method: clinical testing. Allele origin: germline.
Comment: In summary, the available evidence is currently insufficient to determine the role of this variant in disease. Therefore, it has been classified as a Variant of Uncertain Significance. Algorithms developed to predict the effect of missense changes on protein structure and function are either unavailable or do not agree on the potential impact of this missense change (SIFT: "Deleterious"; PolyPhen-2: "Probably Damaging"; Align-GVGD: "Class C0"). This variant has not been reported in the literature in individuals affected with C8B-related conditions. This variant is not present in population databases (gnomAD no frequency). This sequence change replaces tyrosine, which is neutral and polar, with cysteine, which is neutral and slightly polar, at codon 393 of the C8B protein (p.Tyr393Cys).

NM_000066.4(C8B):c.1178A>G (p.Tyr393Cys)

Gene: C8B (complement C8 beta chain; minus strand). Cytogenetic location: 1p32.2.
Variant type: single nucleotide variant.
Coding change: c.1178A>G on transcript NM_000066.4 (MANE Select); coding-DNA position 1178, A replaced by G.
Protein change: p.Tyr393Cys; replaces tyrosine 393 with cysteine.
Molecular consequence: missense variant.
Genome position (GRCh38, 1-based): chr1:56,943,752, T>C on the plus strand (A>G on the coding strand, the complement: C8B is on the minus strand). VCF-style: chr1-56943752-T-C. GRCh37 (hg19) VCF-style: chr1-57409425-T-C.
Other names: c.1022A>G, p.Tyr341Cys (NM_001278543.2); c.992A>G, p.Tyr331Cys (NM_001278544.2); short protein forms Y331C, Y341C, Y393C.
Identifiers: ClinVar variation 2419215 (VCV002419215.6), dbSNP rs778543261, ClinGen allele CA875727.